The following is an entry in ClinVar:

NM_000264.5(PTCH1):c.1356T>A (p.Tyr452Ter)

Gene: PTCH1 (patched 1; minus strand). Cytogenetic location: 9q22.32.
Variant type: single nucleotide variant.
Coding change: c.1356T>A on transcript NM_000264.5 (MANE Select); coding-DNA position 1356, T replaced by A.
Protein change: p.Tyr452Ter; replaces tyrosine 452 with a stop codon.
Molecular consequence: nonsense. On other transcripts: non-coding transcript variant (1), intron variant (1).
Genome position (GRCh38, 1-based): chr9:95,477,694, A>T on the plus strand (T>A on the coding strand, the complement: PTCH1 is on the minus strand). VCF-style: chr9-95477694-A-T. GRCh37 (hg19) VCF-style: chr9-98239976-A-T.
Other names: c.1158T>A, p.Tyr386Ter (NM_001083602.3); c.1353T>A, p.Tyr451Ter (NM_001083603.3); c.903T>A, p.Tyr301Ter (NM_001083604.3, NM_001083605.3, NM_001083606.3 and 1 more transcripts); c.1347+361T>A (NM_001354918.2); short protein forms Y451*, Y301*, Y452*, Y386*.
Identifiers: ClinVar variation 2767417 (VCV002767417.3), dbSNP rs2118311917, ClinGen allele CA374118669.
Genomic context (GRCh38, chr9:95,477,694, plus strand): 5'-AGCCAGCCCCACGGCACCCTGGGACTTGGAGCAGTCCCAGCGCAGCATGGTTAGACAGGC[A>T]TAGGCGAGCTGCAAGCAGAACAATGGGGGCACAGAACAAAAGCCGAACATTAGAATGTGT-3'

ClinVar aggregate classification (germline): Pathogenic (1 of 4 stars; one submission).

Conditions:
Gorlin syndrome. Also called: Nevoid Basal Cell Carcinoma Syndrome; Basal cell nevus syndrome. Identifiers: Orphanet 377, MedGen C0004779, MONDO:0007187.

Submission:

Labcorp Genetics (formerly Invitae), Labcorp
Classification: Pathogenic for Gorlin syndrome. Last evaluated: 2023-10-10. Review status: criteria provided, single submitter. Criteria: Invitae Variant Classification Sherloc (09022015). Collection method: clinical testing. Allele origin: germline.
Comment: This sequence change creates a premature translational stop signal (p.Tyr452*) in the PTCH1 gene. It is expected to result in an absent or disrupted protein product. Loss-of-function variants in PTCH1 are known to be pathogenic (PMID: 16301862, 16419085). This variant is not present in population databases (gnomAD no frequency). This variant has not been reported in the literature in individuals affected with PTCH1-related conditions. For these reasons, this variant has been classified as Pathogenic.

Literature cited by the submitters: PubMed 16301862; PubMed 16419085.